The following is an entry in ClinVar:

NM_001271.4(CHD2):c.2045G>T (p.Arg682Ile)

Gene: CHD2 (chromodomain helicase DNA binding protein 2; plus strand). Cytogenetic location: 15q26.1.
Variant type: single nucleotide variant.
Coding change: c.2045G>T on transcript NM_001271.4 (MANE Select); coding-DNA position 2045, G replaced by T.
Protein change: p.Arg682Ile; replaces arginine 682 with isoleucine.
Molecular consequence: missense variant.
Genome position (GRCh38, 1-based): chr15:92,967,369, G>T. VCF-style: chr15-92967369-G-T. GRCh37 (hg19) VCF-style: chr15-93510599-G-T.
Other names: short protein forms R682I.
Identifiers: ClinVar variation 2770907 (VCV002770907.3), dbSNP rs2505515731, ClinGen allele CA393907086.
Genomic context (GRCh38, chr15:92,967,369, plus strand): 5'-ACTGTTTCTTCCCTAGGTTTGAATTTTGGGAAGATTTTGAAGAAGACCATGGGAAGGGGA[G>T]AGAAAATGGCTACCAGAGTCTTCATAAGGTGCTAGAGCCTTTCCTTCTCCGGAGAGTCAA-3'
Protein context (NP_001262.3, residues 672-692): EDFEEDHGKG[Arg682Ile]ENGYQSLHKV

ClinVar aggregate classification (germline): Uncertain significance (1 of 4 stars; one submission).

Conditions:
Developmental and epileptic encephalopathy 94 (DEE94). Also called: CHD2-Related Neurodevelopmental Disorders; Epileptic encephalopathy, childhood-onset. Identifiers: Orphanet 1942, Orphanet 2382, MedGen C3809278, MONDO:0014150, OMIM 615369.

Submission:

Labcorp Genetics (formerly Invitae), Labcorp
Classification: Uncertain significance for Developmental and epileptic encephalopathy 94. Last evaluated: 2023-10-22. Review status: criteria provided, single submitter. Criteria: Invitae Variant Classification Sherloc (09022015). Collection method: clinical testing. Allele origin: germline.
Comment: This sequence change replaces arginine, which is basic and polar, with isoleucine, which is neutral and non-polar, at codon 682 of the CHD2 protein (p.Arg682Ile). This variant is not present in population databases (gnomAD no frequency). This variant has not been reported in the literature in individuals affected with CHD2-related conditions. Advanced modeling of protein sequence and biophysical properties (such as structural, functional, and spatial information, amino acid conservation, physicochemical variation, residue mobility, and thermodynamic stability) performed at Invitae indicates that this missense variant is not expected to disrupt CHD2 protein function. In summary, the available evidence is currently insufficient to determine the role of this variant in disease. Therefore, it has been classified as a Variant of Uncertain Significance.